The following is an entry in ClinVar:

NM_000512.5(GALNS):c.865A>G (p.Asn289Asp)

Gene: GALNS (galactosamine (N-acetyl)-6-sulfatase; minus strand). Cytogenetic location: 16q24.3.
Variant type: single nucleotide variant.
Coding change: c.865A>G on transcript NM_000512.5 (MANE Select); coding-DNA position 865, A replaced by G.
Protein change: p.Asn289Asp; replaces asparagine 289 with aspartic acid.
Molecular consequence: missense variant.
Genome position (GRCh38, 1-based): chr16:88,835,246, T>C on the plus strand (A>G on the coding strand, the complement: GALNS is on the minus strand). VCF-style: chr16-88835246-T-C. GRCh37 (hg19) VCF-style: chr16-88901654-T-C.
Other names: c.310A>G, p.Asn104Asp (NM_001323543.2); c.883A>G, p.Asn295Asp (NM_001323544.2); short protein forms N104D, N289D, N295D.
Identifiers: ClinVar variation 1048425 (VCV001048425.4), dbSNP rs1314520034, ClinGen allele CA397076050.

ClinVar aggregate classification (germline): Uncertain significance. Review status: criteria provided, multiple submitters, no conflicts (2 of 4 stars). 2 submissions from 2 submitters: Uncertain significance (2). Last evaluated 2023-10-25.

Conditions:
Mucopolysaccharidosis, MPS-IV-A (MPS4A). Also called: Mucopolysaccharidosis type IV A; Mucopolysaccharidosis Type IVA; Morquio syndrome A, mild; MORQUIO SYNDROME A; MPS IVA; mucopolysaccharidosis type 4A. Identifiers: Orphanet 309297, Orphanet 582, MedGen C0086651, MONDO:0009659, OMIM 253000.

Allele frequency attached by ClinVar (database versions not stated): gnomAD exomes below 0.00001.
gnomAD v4.1: 3 of 1,604,238 alleles (0.00019%); highest among the groups gnomAD compares: Non-Finnish European, 0.00026%; no homozygotes.

Submissions (2):

Women's Health and Genetics/Laboratory Corporation of America, LabCorp
Classification: Uncertain significance. Last evaluated: 2023-10-25. Review status: criteria provided, single submitter. Criteria: LabCorp Variant Classification Summary - May 2015. Collection method: clinical testing. Allele origin: germline.
Comment: Variant summary: GALNS c.865A>G (p.Asn289Asp) results in a conservative amino acid change located in the Sulfatase, N-terminal domain (IPR000917) of the encoded protein sequence. Four of five in-silico tools predict a damaging effect of the variant on protein function. The variant was absent in 233974 control chromosomes. The available data on variant occurrences in the general population are insufficient to allow any conclusion about variant significance. c.865A>G has been reported in the literature in the compound heterozygous state in one individual affected with Mucopolysaccharidosis Type IVA (Morquio Syndrome A) (e.g. Morrone_2014). These data do not allow any conclusion about variant significance. To our knowledge, no experimental evidence demonstrating an impact on protein function has been reported. The following publication has been ascertained in the context of this evaluation (PMID: 24726177). One submitter has cited clinical-significance assessments for this variant to ClinVar after 2014 and has classified the variant as uncertain significance. Based on the evidence outlined above, the variant was classified as uncertain significance.

Laboratory of Diagnosis and Therapy of Lysosomal Disorders, University of Padova
Classification: Uncertain significance for Mucopolysaccharidosis, MPS-IV-A. Last evaluated: 2021-02-01. Review status: criteria provided, single submitter. Criteria: ACMG Guidelines, 2015. Collection method: curation. Allele origin: germline. Affected: yes.
Comment: Located in a mutational hot spot and/or critical and well-established functional domain without benign variation (PM1_moderate); absent from gnomAD v2.1.1 (PM2_moderate); multiple lines of computational evidence support a deleterious effect on the gene (PP3_supporting)

Literature cited by the submitters: PubMed 24726177 (cited by Women's Health and Genetics/Laboratory Corporation of America, LabCorp and Laboratory of Diagnosis and Therapy of Lysosomal Disorders, University of Padova); PubMed 34387910 (cited by Laboratory of Diagnosis and Therapy of Lysosomal Disorders, University of Padova).